The following is an entry in ClinVar:

NM_014055.4(IFT81):c.365dup (p.Leu122fs)

Gene: IFT81 (intraflagellar transport 81; plus strand). Cytogenetic location: 12q24.11.
Variant type: Duplication.
Coding change: c.365dup on transcript NM_014055.4 (MANE Select); coding-DNA position 365, one base duplicated (T; older notation c.365dupT).
Protein change: p.Leu122fs; shifts the reading frame from leucine 122.
Molecular consequence: frameshift variant. On other transcripts: 5 prime UTR variant (2), non-coding transcript variant (4).
Genome position (GRCh38, 1-based): chr12:110,129,066, T duplicated; the last of 6 consecutive T bases (chr12:110,129,061-110,129,066); duplicating any one gives the same sequence. VCF-style (leftmost placement, unchanged base first): chr12-110129060-G-GT. GRCh37 (hg19) VCF-style: chr12-110566865-G-GT.
Other names: c.365dup (NM_014055.3); c.365dup, p.Leu122fs (NM_001143779.2, NM_001347946.2, NM_031473.4); c.-402dup (NM_001347947.2, NM_001347948.2); short protein forms L122fs.
Identifiers: ClinVar variation 1395847 (VCV001395847.7), dbSNP rs756551252, ClinGen allele CA6783061.

ClinVar aggregate classification (germline): Conflicting classifications of pathogenicity. Review status: criteria provided, conflicting classifications (1 of 4 stars). 2 submissions from 2 submitters: Pathogenic (1); Uncertain significance (1). Last evaluated 2025-04-08.

Submissions (2):

GeneDx
Classification: Uncertain significance. Last evaluated: 2025-04-08. Review status: criteria provided, single submitter. Criteria: GeneDx Variant Classification Process June 2021. Collection method: clinical testing. Allele origin: germline. Affected: yes.
Comment: Frameshift variant predicted to result in protein truncation or nonsense mediated decay in a gene for which loss of function is a known mechanism of disease; Reported previously in an unaffected carrier; however, no further information was provided (PMID: 31964843); This variant is associated with the following publications: (PMID: 31964843)

Labcorp Genetics (formerly Invitae), Labcorp
Classification: Pathogenic. Last evaluated: 2022-04-26. Review status: criteria provided, single submitter. Criteria: Invitae Variant Classification Sherloc (09022015). Collection method: clinical testing. Allele origin: germline.
Comment: For these reasons, this variant has been classified as Pathogenic. This variant has not been reported in the literature in individuals affected with IFT81-related conditions. This variant is present in population databases (rs756551252, gnomAD 0.03%). This sequence change creates a premature translational stop signal (p.Leu122Phefs*5) in the IFT81 gene. It is expected to result in an absent or disrupted protein product. Loss-of-function variants in IFT81 are known to be pathogenic (PMID: 26275418, 27666822).

Literature cited by the submitters: PubMed 26275418 (cited by Labcorp Genetics (formerly Invitae), Labcorp); PubMed 27666822 (cited by Labcorp Genetics (formerly Invitae), Labcorp).